The following is an entry in ClinVar:

ClinVar aggregate classification (germline): Uncertain significance. Review status: criteria provided, multiple submitters, no conflicts (2 of 4 stars). 2 submissions from 2 submitters: Uncertain significance (2). Last evaluated 2026-07-27.

Conditions:
ATP2B2-related disorder. Also called: ATP2B2-related condition.

Allele frequency attached by ClinVar (database versions not stated): TOPMed 0.00002; gnomAD 0.00003; gnomAD exomes 0.00003; ExAC 0.00006; 1000 Genomes Project 30x 0.00016; 1000 Genomes Project 0.00020.
gnomAD v4.1: 53 of 1,613,950 alleles (0.0033%); highest among the groups gnomAD compares: South Asian, 0.034%; no homozygotes.

Submissions (2):

PreventionGenetics, part of Exact Sciences
Classification: Uncertain significance for ATP2B2-related condition. Last evaluated: 2026-07-27. Review status: criteria provided, single submitter. Criteria: ACMG Guidelines, 2015. Collection method: clinical testing. Allele origin: germline.
Comment: The ATP2B2 c.3449C>T variant is predicted to result in the amino acid substitution p.Ala1150Val. To our knowledge, this variant has not been reported in the literature. This variant is reported in 0.023% of alleles in individuals of South Asian descent in gnomAD. Although we suspect that this variant may be benign, at this time, the clinical significance of this variant is uncertain due to the absence of conclusive functional and genetic evidence.

Labcorp Genetics (formerly Invitae), Labcorp
Classification: Uncertain significance. Last evaluated: 2023-01-15. Review status: criteria provided, single submitter. Criteria: Invitae Variant Classification Sherloc (09022015). Collection method: clinical testing. Allele origin: germline.
Comment: In summary, the available evidence is currently insufficient to determine the role of this variant in disease. Therefore, it has been classified as a Variant of Uncertain Significance. Advanced modeling of protein sequence and biophysical properties (such as structural, functional, and spatial information, amino acid conservation, physicochemical variation, residue mobility, and thermodynamic stability) performed at Invitae indicates that this missense variant is not expected to disrupt ATP2B2 protein function. This variant has not been reported in the literature in individuals affected with ATP2B2-related conditions. This variant is present in population databases (rs577047176, gnomAD 0.02%). This sequence change replaces alanine, which is neutral and non-polar, with valine, which is neutral and non-polar, at codon 1150 of the ATP2B2 protein (p.Ala1150Val).

NM_001001331.4(ATP2B2):c.3584C>T (p.Ala1195Val)

Gene: ATP2B2 (ATPase plasma membrane Ca2+ transporting 2; minus strand). Cytogenetic location: 3p25.3.
Variant type: single nucleotide variant.
Coding change: c.3584C>T on transcript NM_001001331.4 (MANE Select); coding-DNA position 3584, C replaced by T.
Protein change: p.Ala1195Val; replaces alanine 1195 with valine.
Molecular consequence: missense variant. On other transcripts: 3 prime UTR variant (2).
Genome position (GRCh38, 1-based): chr3:10,328,962, G>A on the plus strand (C>T on the coding strand, the complement: ATP2B2 is on the minus strand). VCF-style: chr3-10328962-G-A. GRCh37 (hg19) VCF-style: chr3-10370646-G-A.
Other names: c.3449C>T (NM_001683.3); c.*211C>T (NM_001330611.3); c.3449C>T, p.Ala1150Val (NM_001353564.1, NM_001683.5); c.*138C>T (NM_001363862.1); short protein forms A1150V, A1195V.
Identifiers: ClinVar variation 2417627 (VCV002417627.7), dbSNP rs577047176, ClinGen allele CA2253054.